The following is an entry in ClinVar:

ClinVar aggregate classification (germline): Uncertain significance. Review status: criteria provided, multiple submitters, no conflicts (2 of 4 stars). 2 submissions from 2 submitters: Uncertain significance (2). Last evaluated 2025-09-22.

Conditions:
Early-infantile DEE. Also called: Ohtahara syndrome; Early infantile epileptic encephalopathy with suppression bursts; Early infantile epileptic encephalopathy. Identifiers: Orphanet 1934, MedGen C0393706, MONDO:0800491.
Inborn genetic diseases. Identifiers: MedGen C0950123, MeSH D030342.

Submissions (2):

Ambry Genetics
Classification: Uncertain significance for Inborn genetic diseases. Last evaluated: 2025-09-22. Review status: criteria provided, single submitter. Criteria: Ambry Variant Classification Scheme 2023. Collection method: clinical testing. Allele origin: germline.

Labcorp Genetics (formerly Invitae), Labcorp
Classification: Uncertain significance for Early-infantile DEE. Last evaluated: 2024-02-15. Review status: criteria provided, single submitter. Criteria: Invitae Variant Classification Sherloc (09022015). Collection method: clinical testing. Allele origin: germline.
Comment: This sequence change replaces leucine, which is neutral and non-polar, with valine, which is neutral and non-polar, at codon 80 of the SCN1A protein (p.Leu80Val). This variant is not present in population databases (gnomAD no frequency). This variant has not been reported in the literature in individuals affected with SCN1A-related conditions. ClinVar contains an entry for this variant (Variation ID: 1054311). Advanced modeling of protein sequence and biophysical properties (such as structural, functional, and spatial information, amino acid conservation, physicochemical variation, residue mobility, and thermodynamic stability) has been performed at Invitae for this missense variant, however the output from this modeling did not meet the statistical confidence thresholds required to predict the impact of this variant on SCN1A protein function. In summary, the available evidence is currently insufficient to determine the role of this variant in disease. Therefore, it has been classified as a Variant of Uncertain Significance.

NM_001165963.4(SCN1A):c.238C>G (p.Leu80Val)

Gene: SCN1A (sodium voltage-gated channel alpha subunit 1; minus strand). Cytogenetic location: 2q24.3.
Variant type: single nucleotide variant.
Coding change: c.238C>G on transcript NM_001165963.4 (MANE Select); coding-DNA position 238, C replaced by G.
Protein change: p.Leu80Val; replaces leucine 80 with valine.
Molecular consequence: missense variant. On other transcripts: 5 prime UTR variant (1), non-coding transcript variant (1).
Genome position (GRCh38, 1-based): chr2:166,073,384, G>C on the plus strand (C>G on the coding strand, the complement: SCN1A is on the minus strand). VCF-style: chr2-166073384-G-C. GRCh37 (hg19) VCF-style: chr2-166929894-G-C.
Other names: c.238C>G, p.Leu80Val (NM_001165964.3, NM_001202435.3, NM_001353948.2 and 10 more transcripts); c.-2188C>G (NM_001353961.2); c.238C>G (NM_001165963.1); short protein forms L80V.
Identifiers: ClinVar variation 1054311 (VCV001054311.12), dbSNP rs2105982158, ClinGen allele CA349242699.